The following is an entry in ClinVar:

NM_001330288.2(SMARCC2):c.2937G>A (p.Gln979=)

Gene: SMARCC2 (SWI/SNF related BAF chromatin remodeling complex subunit C2; minus strand). Cytogenetic location: 12q13.2.
Variant type: single nucleotide variant.
Coding change: c.2937G>A on transcript NM_001330288.2 (MANE Select); coding-DNA position 2937, G replaced by A.
Protein change: p.Gln979=; no amino-acid change (glutamine 979 retained).
Molecular consequence: synonymous variant.
Genome position (GRCh38, 1-based): chr12:56,165,613, C>T on the plus strand (G>A on the coding strand, the complement: SMARCC2 is on the minus strand). VCF-style: chr12-56165613-C-T. GRCh37 (hg19) VCF-style: chr12-56559397-C-T.
Other names: c.2937G>A, p.Gln979= (NM_001130420.3, NM_139067.4); c.2844G>A, p.Gln948= (NM_003075.5).
Identifiers: ClinVar variation 5040611 (VCV005040611.1).
Genomic context (GRCh38, chr12:56,165,613, plus strand): 5'-GCCTGGGGGCAGGGCTGGTGGTGGCTGCTGCTGCTGTTGGTGCATCTGTTGGAAGTGCTG[C>T]TGCCGAGCCCTCATCTCCGCATACTTCAGCTGCTCCATGTGGAAGGCTTGTCTGTCGGCC-3'
Protein context (NP_001317217.1, residues 969-989): QLKYAEMRAR[Gln979=]QHFQQMHQQQ

ClinVar aggregate classification (germline): Likely benign (1 of 4 stars; one submission).

Submission:

CeGaT Center for Human Genetics Tuebingen
Classification: Likely benign. Last evaluated: 2026-08-01. Review status: criteria provided, single submitter. Criteria: CeGaT Center For Human Genetics Tuebingen Variant Classification Criteria Version 2. Collection method: clinical testing. Allele origin: germline. Affected: yes. Observed: 1 variant allele.
Comment: SMARCC2: PM2:Supporting, BP4, BP7